The following is an entry in ClinVar:

NM_022455.5(NSD1):c.6029G>A (p.Gly2010Asp)

Gene: NSD1 (nuclear receptor binding SET domain protein 1; plus strand). Cytogenetic location: 5q35.3.
Variant type: single nucleotide variant.
Coding change: c.6029G>A on transcript NM_022455.5 (MANE Select); coding-DNA position 6029, G replaced by A.
Protein change: p.Gly2010Asp; replaces glycine 2010 with aspartic acid.
Molecular consequence: missense variant.
Genome position (GRCh38, 1-based): chr5:177,283,806, G>A. VCF-style: chr5-177283806-G-A. GRCh37 (hg19) VCF-style: chr5-176710807-G-A.
Other names: c.5156G>A, p.Gly1719Asp (NM_001365684.2, NM_001409308.1, NM_172349.5); c.6029G>A, p.Gly2010Asp (NM_001409301.1, NM_001409302.1, NM_001409303.1); c.5609G>A, p.Gly1870Asp (NM_001409304.1); c.5276G>A, p.Gly1759Asp (NM_001409305.1); c.5267G>A, p.Gly1756Asp (NM_001409306.1, NM_001409307.1); short protein forms G2010D, G1741D, G1719D, G1756D, G1759D, G1870D.
Identifiers: ClinVar variation 422150 (VCV000422150.2), dbSNP rs1064795588, ClinGen allele CA16618185.

ClinVar aggregate classification (germline): Likely pathogenic (1 of 4 stars; one submission).

Submission:

GeneDx
Classification: Likely pathogenic. Last evaluated: 2017-03-06. Review status: criteria provided, single submitter. Criteria: GeneDx Variant Classification (06012015). Collection method: clinical testing. Allele origin: germline. Affected: yes.
Comment: The G2010D variant in the NSD1 gene has not been reported previously as a pathogenic variant, noras a benign variant, to our knowledge. The G2010D variant was not observed in approximately 6500individuals of European and African American ancestry in the NHLBI Exome Sequencing Project,indicating it is not a common benign variant in these populations. The G2010D variant is anon-conservative amino acid substitution, which is likely to impact secondary protein structure asthese residues differ in polarity, charge, size and/or other properties. This substitution occurs within the SET domain at aposition that is conserved across species. In silico analysis predicts this variant is probably damaging tothe protein structure/function. Missense variants in nearby residues (R2005G, R2005Q, and A2009V)have been reported in the Human Gene Mutation Database in association with Sotos syndrome(Stenson et al., 2014), supporting the functional importance of this region of the protein. The G2010D variant is a strong candidate for a pathogenic variant, however the possibility it may be a rare benign variant cannot be excluded.